The following is an entry in ClinVar:

ClinVar aggregate classification (germline): Uncertain significance. Review status: criteria provided, multiple submitters, no conflicts (2 of 4 stars). 2 submissions from 2 submitters: Uncertain significance (2). Last evaluated 2025-08-09.

Conditions:
Lynch syndrome. Identifiers: Orphanet 144, MedGen C4552100, MONDO:0005835. Disease mechanism: loss of function.
Hereditary nonpolyposis colorectal neoplasms. Identifiers: MedGen C0009405, MeSH D003123.

Submissions (2):

Labcorp Genetics (formerly Invitae), Labcorp
Classification: Uncertain significance for Hereditary nonpolyposis colorectal neoplasms. Last evaluated: 2025-08-09. Review status: criteria provided, single submitter. Criteria: Invitae Variant Classification Sherloc (09022015). Collection method: clinical testing. Allele origin: germline.
Comment: This sequence change replaces serine, which is neutral and polar, with glycine, which is neutral and non-polar, at codon 1279 of the MSH6 protein (p.Ser1279Gly). This variant is not present in population databases (gnomAD no frequency). This variant has not been reported in the literature in individuals affected with MSH6-related conditions. ClinVar contains an entry for this variant (Variation ID: 3073605). Invitae Evidence Modeling of protein sequence and biophysical properties (such as structural, functional, and spatial information, amino acid conservation, physicochemical variation, residue mobility, and thermodynamic stability) indicates that this missense variant is not expected to disrupt MSH6 protein function with a negative predictive value of 95%. In summary, the available evidence is currently insufficient to determine the role of this variant in disease. Therefore, it has been classified as a Variant of Uncertain Significance.

All of Us Research Program, National Institutes of Health
Classification: Uncertain significance for Lynch syndrome. Last evaluated: 2023-10-02. Review status: criteria provided, single submitter. Criteria: ACMG Guidelines, 2015. Collection method: clinical testing. Allele origin: germline. Inheritance: Autosomal dominant inheritance. Observed: 1 variant allele, 1 heterozygote.
Comment: This missense variant replaces serine with glycine at codon 1279 of the MSH6 protein. Computational prediction suggests that this variant may not impact protein structure and function (internally defined REVEL score threshold <= 0.5, PMID: 27666373). To our knowledge, functional studies have not been reported for this variant. This variant has not been reported in individuals affected with MSH6-related disorders in the literature. This variant has not been identified in the general population by the Genome Aggregation Database (gnomAD). The available evidence is insufficient to determine the role of this variant in disease conclusively. Therefore, this variant is classified as a Variant of Uncertain Significance.

This study involves interpretation of variants in research participants for the purpose of population health screening. Participant phenotype was not available at the time of variant classification. Additional details can be found in publication PMID: 35346344, PMCID: PMC8962531

NM_000179.3(MSH6):c.3835A>G (p.Ser1279Gly)

Gene: MSH6 (mutS homolog 6; plus strand). Cytogenetic location: 2p16.3.
Variant type: single nucleotide variant.
Coding change: c.3835A>G on transcript NM_000179.3 (MANE Select); coding-DNA position 3835, A replaced by G.
Protein change: p.Ser1279Gly; replaces serine 1279 with glycine.
Molecular consequence: missense variant. On other transcripts: synonymous variant (1), non-coding transcript variant (5), intron variant (1).
Genome position (GRCh38, 1-based): chr2:47,806,485, A>G. VCF-style: chr2-47806485-A-G. GRCh37 (hg19) VCF-style: chr2-48033624-A-G.
Other names: c.3445A>G, p.Ser1149Gly (NM_001281492.2); c.2929A>G, p.Ser977Gly (NM_001281493.2, NM_001281494.2, NM_001406811.1 and 6 more transcripts); c.3931A>G, p.Ser1311Gly (NM_001406795.1); c.3835A>G, p.Ser1279Gly (NM_001406796.1, NM_001406808.1, NM_001406809.1); c.3538A>G, p.Ser1180Gly (NM_001406797.1, NM_001406801.1, NM_001406805.1 and 10 more transcripts); c.3661A>G, p.Ser1221Gly (NM_001406798.1); c.3310A>G, p.Ser1104Gly (NM_001406799.1, NM_001406806.1, NM_001406807.1); c.3822A>G, p.Pro1274= (NM_001406800.1); and 9 more; short protein forms S1104G, S1149G, S1180G, S1221G, S1223G, S1253G, S1279G, S1281G.
Identifiers: ClinVar variation 3073605 (VCV003073605.2), dbSNP rs2104553650, ClinGen allele CA346761281.